The following is an entry in ClinVar:

ClinVar aggregate classification (germline): Uncertain significance (1 of 4 stars; one submission).

Conditions:
Familial cold autoinflammatory syndrome 2 (FCAS2). Identifiers: Orphanet 247868, MedGen C2673198, MONDO:0012724, OMIM 611762.

Submission:

Labcorp Genetics (formerly Invitae), Labcorp
Classification: Uncertain significance for Familial cold autoinflammatory syndrome 2. Last evaluated: 2023-12-30. Review status: criteria provided, single submitter. Criteria: Invitae Variant Classification Sherloc (09022015). Collection method: clinical testing. Allele origin: germline.
Comment: This variant results in a copy number gain of the genomic region encompassing exon(s) 8 of the NLRP12 gene. While the exact position of this variant cannot be determined from the data, sub-genic copy number gains are generally in tandem (PMID: 25640679). This variant is predicted to be in-frame, and likely preserves the integrity of the reading frame. This variant has not been reported in the literature in individuals affected with NLRP12-related conditions. Experimental studies and prediction algorithms are not available or were not evaluated, and the functional significance of this variant is currently unknown. In summary, the available evidence is currently insufficient to determine the role of this variant in disease. Therefore, it has been classified as a Variant of Uncertain Significance.

Literature cited by the submitters: PubMed 25640679.

NC_000019.9:g.(?_54301477)_(54301687_?)dup

Gene: NLRP12 (NLR family pyrin domain containing 12; minus strand). Cytogenetic location: 19q13.42.
Variant type: Duplication.
Identifiers: ClinVar variation 666212 (VCV000666212.7).